The following is an entry in ClinVar:

ClinVar aggregate classification (germline): Likely pathogenic (0 of 4 stars; one submission).

Conditions:
Xeroderma pigmentosum group A (XPA). Also called: Xeroderma pigmentosum, complementation group A; XP, group A; XPA-Related Xeroderma Pigmentosum. Identifiers: Orphanet 910, MedGen C0268135, MONDO:0010210, OMIM 278700.

gnomAD v4.1: 2 of 1,610,992 alleles (0.00012%); highest among the groups gnomAD compares: South Asian, 0.0022%; no homozygotes.

Submission:

Leeds Institute of Medical Research, University of Leeds
Classification: Likely pathogenic for Xeroderma pigmentosum group A. Last evaluated: 2025-01-27. Review status: no assertion criteria provided. Collection method: research. Allele origin: germline. Affected: yes. Observed: 2 variant alleles.
Comment: This homozygous nonsense variant (NM_000380.4:c.306T>A); p.(Tyr102Ter) segregated in the family with xeroderma pigentosum complementation group A (OMIM #278700) with intellectual disability and developmental delay. The variant is not listed in ClinVar or disease specific databases including DisGeNet and LOVD. The gnomAD v.4.0.1 (Exomes) maf for this variant is 0.000001371 (0.00002200 in South Asia) with no homozygotes. In silico prediction tools including MutationTaster, DANN and BayesDel predicted this variant to be deleterious and it has a CADD-Phred score of 35. The variant meets PVS1, PM2 ACMG creiteria and classified as likely pathogenic.

NM_000380.4(XPA):c.306T>A (p.Tyr102Ter)

Gene: XPA (XPA, DNA damage recognition and repair factor; minus strand). Cytogenetic location: 9q22.33.
Variant type: single nucleotide variant.
Coding change: c.306T>A on transcript NM_000380.4 (MANE Select); coding-DNA position 306, T replaced by A.
Protein change: p.Tyr102Ter; replaces tyrosine 102 with a stop codon.
Molecular consequence: nonsense. On other transcripts: non-coding transcript variant (2).
Genome position (GRCh38, 1-based): chr9:97,689,617, A>T on the plus strand (T>A on the coding strand, the complement: XPA is on the minus strand). VCF-style: chr9-97689617-A-T. GRCh37 (hg19) VCF-style: chr9-100451899-A-T.
Other names: c.180T>A, p.Tyr60Ter (NM_001354975.2); short protein forms Y102*, Y60*.
Identifiers: ClinVar variation 3601961 (VCV003601961.1).